The following is an entry in ClinVar:

NM_006662.3(SRCAP):c.7522C>T (p.Pro2508Ser)

Gene: SRCAP (Snf2 related CREBBP activator protein; plus strand). Cytogenetic location: 16p11.2.
Variant type: single nucleotide variant.
Coding change: c.7522C>T on transcript NM_006662.3 (MANE Select); coding-DNA position 7522, C replaced by T.
Protein change: p.Pro2508Ser; replaces proline 2508 with serine.
Molecular consequence: missense variant.
Genome position (GRCh38, 1-based): chr16:30,737,562, C>T. VCF-style: chr16-30737562-C-T. GRCh37 (hg19) VCF-style: chr16-30748883-C-T.
Other names: short protein forms P2508S.
Identifiers: ClinVar variation 3677446 (VCV003677446.2).

ClinVar aggregate classification (germline): Uncertain significance (1 of 4 stars; one submission).

Submission:

Labcorp Genetics (formerly Invitae), Labcorp
Classification: Uncertain significance. Last evaluated: 2024-12-12. Review status: criteria provided, single submitter. Criteria: Invitae Variant Classification Sherloc (09022015). Collection method: clinical testing. Allele origin: germline.
Comment: This sequence change replaces proline, which is neutral and non-polar, with serine, which is neutral and polar, at codon 2508 of the SRCAP protein (p.Pro2508Ser). This variant is not present in population databases (gnomAD no frequency). This variant has not been reported in the literature in individuals affected with SRCAP-related conditions. Invitae Evidence Modeling of protein sequence and biophysical properties (such as structural, functional, and spatial information, amino acid conservation, physicochemical variation, residue mobility, and thermodynamic stability) indicates that this missense variant is not expected to disrupt SRCAP protein function with a negative predictive value of 80%. In summary, the available evidence is currently insufficient to determine the role of this variant in disease. Therefore, it has been classified as a Variant of Uncertain Significance.